The following is an entry in ClinVar:

NM_032656.4(DHX37):c.3436G>A (p.Asp1146Asn)

Gene: DHX37 (DEAH-box helicase 37; minus strand). Cytogenetic location: 12q24.31.
Variant type: single nucleotide variant.
Coding change: c.3436G>A on transcript NM_032656.4 (MANE Select); coding-DNA position 3436, G replaced by A.
Protein change: p.Asp1146Asn; replaces aspartic acid 1146 with asparagine.
Molecular consequence: missense variant.
Genome position (GRCh38, 1-based): chr12:124,947,840, C>T on the plus strand (G>A on the coding strand, the complement: DHX37 is on the minus strand). VCF-style: chr12-124947840-C-T. GRCh37 (hg19) VCF-style: chr12-125432386-C-T.
Other names: c.3436G>A (NM_032656.3); short protein forms D1146N.
Identifiers: ClinVar variation 2177300 (VCV002177300.5), dbSNP rs147118113, ClinGen allele CA6871190.

ClinVar aggregate classification (germline): Uncertain significance. Review status: criteria provided, multiple submitters, no conflicts (2 of 4 stars). 2 submissions from 2 submitters: Uncertain significance (2). Last evaluated 2025-05-19.

Conditions:
Inborn genetic diseases. Identifiers: MedGen C0950123, MeSH D030342.

Allele frequency attached by ClinVar (database versions not stated): gnomAD exomes 0.00003; ExAC 0.00004; gnomAD 0.00005; ESP Exome Variant Server 0.00008; TOPMed 0.00011.
gnomAD v4.1: 53 of 1,604,588 alleles (0.0033%); highest among the groups gnomAD compares: African/African-American, 0.016%; no homozygotes.

Submissions (2):

Ambry Genetics
Classification: Uncertain significance for Inborn genetic diseases. Last evaluated: 2025-05-19. Review status: criteria provided, single submitter. Criteria: Ambry Variant Classification Scheme 2023. Collection method: clinical testing. Allele origin: germline.

Labcorp Genetics (formerly Invitae), Labcorp
Classification: Uncertain significance. Last evaluated: 2024-11-16. Review status: criteria provided, single submitter. Criteria: Invitae Variant Classification Sherloc (09022015). Collection method: clinical testing. Allele origin: germline.
Comment: This sequence change replaces aspartic acid, which is acidic and polar, with asparagine, which is neutral and polar, at codon 1146 of the DHX37 protein (p.Asp1146Asn). This variant is present in population databases (rs147118113, gnomAD 0.02%). This variant has not been reported in the literature in individuals affected with DHX37-related conditions. ClinVar contains an entry for this variant (Variation ID: 2177300). An algorithm developed to predict the effect of missense changes on protein structure and function outputs the following: PolyPhen-2: "Benign". The asparagine amino acid residue is found in multiple mammalian species, which suggests that this missense change does not adversely affect protein function. In summary, the available evidence is currently insufficient to determine the role of this variant in disease. Therefore, it has been classified as a Variant of Uncertain Significance.